The following is an entry in ClinVar:

ClinVar aggregate classification (germline): Conflicting classifications of pathogenicity. Review status: criteria provided, conflicting classifications (1 of 4 stars). 2 submissions from 2 submitters: Uncertain significance (1); Likely benign (1). Last evaluated 2025-11-11.

Conditions:
DICER1-related tumor predisposition. Also called: DICER1 syndrome; DICER1-related pleuropulmonary blastoma cancer predisposition syndrome. Identifiers: Orphanet 284343, MedGen C3839822, MONDO:0100216.
Hereditary cancer-predisposing syndrome. Also called: Neoplastic Syndromes, Hereditary; Hereditary neoplastic syndrome; Tumor predisposition; Hereditary Cancer Syndrome. Identifiers: Orphanet 140162, MedGen C0027672, MeSH D009386, MONDO:0015356.

Submissions (2):

Ambry Genetics
Classification: Likely benign for Hereditary cancer-predisposing syndrome. Last evaluated: 2025-11-11. Review status: criteria provided, single submitter. Criteria: Ambry Variant Classification Scheme 2023. Collection method: clinical testing. Allele origin: germline.

Labcorp Genetics (formerly Invitae), Labcorp
Classification: Uncertain significance for DICER1-related tumor predisposition. Last evaluated: 2025-04-02. Review status: criteria provided, single submitter. Criteria: Invitae Variant Classification Sherloc (09022015). Collection method: clinical testing. Allele origin: germline.
Comment: This sequence change replaces asparagine, which is neutral and polar, with histidine, which is basic and polar, at codon 161 of the DICER1 protein (p.Asn161His). This variant is not present in population databases (gnomAD no frequency). This variant has not been reported in the literature in individuals affected with DICER1-related conditions. ClinVar contains an entry for this variant (Variation ID: 662258). Invitae Evidence Modeling of protein sequence and biophysical properties (such as structural, functional, and spatial information, amino acid conservation, physicochemical variation, residue mobility, and thermodynamic stability) indicates that this missense variant is not expected to disrupt DICER1 protein function with a negative predictive value of 95%. In summary, the available evidence is currently insufficient to determine the role of this variant in disease. Therefore, it has been classified as a Variant of Uncertain Significance.

NM_177438.3(DICER1):c.481A>C (p.Asn161His)

Gene: DICER1 (dicer 1, ribonuclease III; minus strand). Cytogenetic location: 14q32.13.
Variant type: single nucleotide variant.
Coding change: c.481A>C on transcript NM_177438.3 (MANE Select); coding-DNA position 481, A replaced by C.
Protein change: p.Asn161His; replaces asparagine 161 with histidine.
Molecular consequence: missense variant.
Genome position (GRCh38, 1-based): chr14:95,130,150, T>G on the plus strand (A>C on the coding strand, the complement: DICER1 is on the minus strand). VCF-style: chr14-95130150-T-G. GRCh37 (hg19) VCF-style: chr14-95596487-T-G.
Other names: c.481A>C, p.Asn161His (NM_001195573.1, NM_001271282.3, NM_001291628.2 and 1 more transcripts); short protein forms N161H.
Identifiers: ClinVar variation 662258 (VCV000662258.15), dbSNP rs373532001, ClinGen allele CA7331651.